The following is an entry in ClinVar:

NM_000574.5(CD55):c.294C>T (p.Cys98=)

Gene: CD55 (CD55 molecule (Cromer blood group); plus strand). Cytogenetic location: 1q32.2.
Variant type: single nucleotide variant.
Coding change: c.294C>T on transcript NM_000574.5 (MANE Select); coding-DNA position 294, C replaced by T.
Protein change: p.Cys98=; no amino-acid change (cysteine 98 retained).
Molecular consequence: synonymous variant. On other transcripts: non-coding transcript variant (1).
Genome position (GRCh38, 1-based): chr1:207,324,566, C>T. VCF-style: chr1-207324566-C-T. GRCh37 (hg19) VCF-style: chr1-207497911-C-T.
Other names: c.294C>T (NM_000574.4); c.294C>T, p.Cys98= (NM_001114752.3, NM_001300902.2, NM_001300903.2 and 1 more transcripts).
Identifiers: ClinVar variation 1164473 (VCV001164473.23), dbSNP rs28371603, ClinGen allele CA1367957.
Genomic context (GRCh38, chr1:207,324,566, plus strand): 5'-AAAACAAAAATTGATACTACATTTTTTGTTGCTGCTTTTGTTAATACTTTTAGGTAGCTG[C>T]GAGGTGCCAACAAGGCTAAATTCTGCATCCCTCAAACAGCCTTATATCACTCAGAATTAT-3'
Protein context (NP_000565.1, residues 88-108): SDIEEFCNRS[Cys98=]EVPTRLNSAS

ClinVar aggregate classification (germline): Benign/Likely benign. Review status: criteria provided, multiple submitters, no conflicts (2 of 4 stars). 6 submissions from 6 submitters: Benign (2); Likely benign (3). 1 of the submissions does not count toward it. Last evaluated 2026-01-27.

Conditions:
CD55-related disorder. Also called: CD55-related condition.

Allele frequency attached by ClinVar (database versions not stated): gnomAD exomes 0.00107; ExAC 0.00127; gnomAD 0.00296 and 0.00317; TOPMed 0.00334; ESP Exome Variant Server 0.00377; 1000 Genomes Project 30x 0.00390; 1000 Genomes Project 0.00419.
gnomAD v4.1: 1,215 of 1,549,034 alleles (0.078%); highest among the groups gnomAD compares: African/African-American, 0.91%; 3 homozygotes.

Submissions (9):

Labcorp Genetics (formerly Invitae), Labcorp
Classification: Benign. Last evaluated: 2026-01-27. Review status: criteria provided, single submitter. Criteria: Invitae Variant Classification Sherloc (09022015). Collection method: clinical testing. Allele origin: germline.

Women's Health and Genetics/Laboratory Corporation of America, LabCorp
Classification: Likely benign. Last evaluated: 2026-01-22. Review status: criteria provided, single submitter. Criteria: LabCorp Variant Classification Summary - May 2015. Collection method: clinical testing. Allele origin: germline.

CeGaT Center for Human Genetics Tuebingen
Classification: Likely benign. Last evaluated: 2025-08-01. Review status: criteria provided, single submitter. Criteria: CeGaT Center For Human Genetics Tuebingen Variant Classification Criteria Version 2. Collection method: clinical testing. Allele origin: germline. Affected: yes. Observed: 1 variant allele.
Comment: CD55: BP4, BP7

Blueprint Genetics
Classification: Likely benign. Last evaluated: 2024-11-19. Review status: criteria provided, single submitter. Criteria: ACMG Guidelines, 2015. Collection method: clinical testing. Allele origin: germline.

Breakthrough Genomics
Classification: Benign. Review status: criteria provided, single submitter. Criteria: ACMG Guidelines, 2015. Collection method: not provided. Allele origin: germline. Inheritance: Autosomal recessive inheritance. Affected: yes.

PreventionGenetics, part of Exact Sciences
Classification: Benign for CD55-related condition. Last evaluated: 2019-08-29. Review status: no assertion criteria provided. Collection method: clinical testing. Allele origin: germline. Not counted in ClinVar's aggregate classification.
Comment: This variant is classified as benign based on ACMG/AMP sequence variant interpretation guidelines (Richards et al. 2015 PMID: 25741868, with internal and published modifications).

Dr. Peter K. Rogan Lab, Western University
No classification provided (evidence only). Condition: Lung cancer. Review status: no classification provided. Collection method: in vitro. Allele origin: not applicable. Functional consequence: skipped exon. Not counted in ClinVar's aggregate classification.

Dr. Peter K. Rogan Lab, Western University
No classification provided (evidence only). Condition: Uterine corpus endometrial carcinoma. Review status: no classification provided. Collection method: in vitro. Allele origin: not applicable. Functional consequence: skipped exon. Not counted in ClinVar's aggregate classification.

Dr. Peter K. Rogan Lab, Western University
No classification provided (evidence only). Condition: Gastric cancer. Review status: no classification provided. Collection method: in vitro. Allele origin: not applicable. Functional consequence: skipped exon. Not counted in ClinVar's aggregate classification.